The following is an entry in ClinVar:

ClinVar aggregate classification (germline): Likely pathogenic (0 of 4 stars; one submission).

Conditions:
Global developmental delay (DD). Also called: Cognitive delay. Identifiers: MedGen C0557874, HP:0001263. Disease mechanism: loss of function.

Submission:

Institute of Human Genetics, University of Goettingen
Classification: Likely pathogenic for Global developmental delay. Last evaluated: 2019-04-04. Review status: no assertion criteria provided. Collection method: clinical testing. Allele origin: de novo. Inheritance: Autosomal dominant inheritance. Affected: yes. Observed: 1 variant allele.

GRCh37/hg19 22q11.22-11.23(chr22:22998284-25119103)x3

Genes: DDTL (D-dopachrome tautomerase like; plus strand), DERL3 (derlin 3; minus strand), DRICH1 (aspartate rich 1; minus strand), IGLC1 (immunoglobulin lambda constant 1; plus strand), PIWIL3 (piwi like RNA-mediated gene silencing 3; minus strand) and 30 more. Cytogenetic location: 22q11.22-11.23.
Variant type: copy number gain.
Change: copy number 3 (three copies instead of two) of chr22:22,998,284-25,119,103 (2.12 Mb, GRCh37 coordinates, 1-based), cytogenetic band 22q11.22-11.23.
Identifiers: ClinVar variation 635766 (VCV000635766.2).